The following is an entry in ClinVar:

NM_022489.4(INF2):c.1421CTC[1] (p.Pro475del)

Gene: INF2 (inverted formin 2; plus strand). Cytogenetic location: 14q32.33.
Variant type: Microsatellite.
Coding change: c.1421CTC[1] on transcript NM_022489.4 (MANE Select); one copy of the 3-base unit CTC starting at c.1421; the reference has two copies in a row; one copy, 3 bases deleted; also written c.1424_1426del.
Protein change: p.Pro475del; deletes proline 475.
Molecular consequence: inframe deletion.
Genome position (GRCh38, 1-based): chr14:104,707,691-104,707,693, CTC deleted; deleting any 3 consecutive bases within chr14:104,707,687-104,707,693 gives the same sequence; the position shown is the placement nearest the transcript's 3' end. VCF-style (leftmost placement, unchanged base first): chr14-104707686-ACCT-A. GRCh37 (hg19) VCF-style: chr14-105174023-ACCT-A.
Other names: p.Pro475del; c.1424_1426del (NM_022489.3, NM_022489.4); c.1421CTC[1], p.Pro475del (NM_001031714.4); short protein forms P475del.
Identifiers: ClinVar variation 1058073 (VCV001058073.13), dbSNP rs1325744353, ClinGen allele CA616584699.

ClinVar aggregate classification (germline): Uncertain significance. Review status: criteria provided, multiple submitters, no conflicts (2 of 4 stars). 4 submissions from 4 submitters: Uncertain significance (4). Last evaluated 2025-07-12.

Conditions:
Charcot-Marie-Tooth disease dominant intermediate E. Also called: CHARCOT-MARIE-TOOTH NEUROPATHY WITH FOCAL SEGMENTAL GLOMERULONEPHRITIS. Identifiers: Orphanet 93114, MedGen C4302667, MONDO:0013758, OMIM 614455.
Focal segmental glomerulosclerosis 5 (FSGS5). Identifiers: Orphanet 656, MedGen C2750475, MONDO:0013191, OMIM 613237.

Submissions (4):

GeneDx
Classification: Uncertain significance. Last evaluated: 2025-07-12. Review status: criteria provided, single submitter. Criteria: GeneDx Variant Classification Process June 2021. Collection method: clinical testing. Allele origin: germline. Affected: yes.
Comment: In-frame deletion of 1 amino acid(s) in a non-repeat region; In silico analysis supports a deleterious effect on protein structure/function; Has not been previously published as pathogenic or benign to our knowledge

Labcorp Genetics (formerly Invitae), Labcorp
Classification: Uncertain significance for Charcot-Marie-Tooth disease dominant intermediate E; Focal segmental glomerulosclerosis 5. Last evaluated: 2025-06-12. Review status: criteria provided, single submitter. Criteria: Invitae Variant Classification Sherloc (09022015). Collection method: clinical testing. Allele origin: germline.
Comment: This variant, c.1424_1426del, results in the deletion of 1 amino acid(s) of the INF2 protein (p.Pro475del), but otherwise preserves the integrity of the reading frame. This variant is present in population databases (no rsID available, gnomAD 0.009%). This variant has not been reported in the literature in individuals affected with INF2-related conditions. Experimental studies and prediction algorithms are not available or were not evaluated, and the functional significance of this variant is currently unknown. In summary, the available evidence is currently insufficient to determine the role of this variant in disease. Therefore, it has been classified as a Variant of Uncertain Significance.

Fulgent Genetics
Classification: Uncertain significance for Focal segmental glomerulosclerosis 5; Charcot-Marie-Tooth disease dominant intermediate E. Last evaluated: 2024-01-02. Review status: criteria provided, single submitter. Criteria: ACMG Guidelines, 2015. Collection method: clinical testing. Allele origin: germline.

Mayo Clinic Laboratories, Mayo Clinic
Classification: Uncertain significance. Last evaluated: 2023-04-04. Review status: criteria provided, single submitter. Criteria: ACMG Guidelines, 2015. Collection method: clinical testing. Allele origin: germline. Observed: 1 variant allele.
Comment: PM4